The following is an entry in ClinVar:

NM_031935.3(HMCN1):c.16442_16443del (p.Val5481fs)

Genes: HMCN1 (hemicentin 1; plus strand), LOC126805953 (P300/CBP strongly-dependent group 1 enhancer GRCh37_chr1:186156636-186157835; plus strand). Cytogenetic location: 1q31.1.
Variant type: Microsatellite.
Coding change: c.16442_16443del on transcript NM_031935.3 (MANE Select); coding-DNA positions 16442 to 16443, 2 bases deleted (TG; older notation c.16442_16443delTG).
Protein change: p.Val5481fs; shifts the reading frame from valine 5481.
Molecular consequence: frameshift variant.
Genome position (GRCh38, 1-based): chr1:186,187,910-186,187,911, TG deleted; deleting any 2 consecutive bases within chr1:186,187,908-186,187,911 gives the same sequence; the c. name uses the placement nearest the transcript's 3' end. VCF-style (leftmost placement, unchanged base first): chr1-186187907-ATG-A. GRCh37 (hg19) VCF-style: chr1-186157039-ATG-A.
Other names: short protein forms V5481fs.
Identifiers: ClinVar variation 2035406 (VCV002035406.4), dbSNP rs2528298750, ClinGen allele CA2580611521.

ClinVar aggregate classification (germline): Uncertain significance (1 of 4 stars; one submission).

Submission:

Labcorp Genetics (formerly Invitae), Labcorp
Classification: Uncertain significance. Last evaluated: 2022-12-03. Review status: criteria provided, single submitter. Criteria: Invitae Variant Classification Sherloc (09022015). Collection method: clinical testing. Allele origin: germline.
Comment: This sequence change creates a premature translational stop signal (p.Val5481Alafs*43) in the HMCN1 gene. While this is not anticipated to result in nonsense mediated decay, it is expected to disrupt the last 155 amino acid(s) of the HMCN1 protein. This variant is not present in population databases (gnomAD no frequency). This variant has not been reported in the literature in individuals affected with HMCN1-related conditions. Experimental studies and prediction algorithms are not available or were not evaluated, and the functional significance of this variant is currently unknown. In summary, the available evidence is currently insufficient to determine the role of this variant in disease. Therefore, it has been classified as a Variant of Uncertain Significance.